The following is an entry in ClinVar:

ClinVar aggregate classification (germline): Uncertain significance. Review status: criteria provided, multiple submitters, no conflicts (2 of 4 stars). 2 submissions from 2 submitters: Uncertain significance (2). Last evaluated 2023-05-26.

Conditions:
Hereditary cancer-predisposing syndrome. Also called: Tumor predisposition; Hereditary Cancer Syndrome; Hereditary neoplastic syndrome; Neoplastic Syndromes, Hereditary. Identifiers: Orphanet 140162, MedGen C0027672, MeSH D009386, MONDO:0015356.
Familial cancer of breast. Also called: hereditary breast carcinoma; BREAST CANCER, FAMILIAL; Hereditary breast cancer. Identifiers: Orphanet 227535, MedGen C0346153, MONDO:0016419, OMIM 114480. Disease mechanism: loss of function.

Submissions (2):

Ambry Genetics
Classification: Uncertain significance for Hereditary cancer-predisposing syndrome. Last evaluated: 2023-05-26. Review status: criteria provided, single submitter. Criteria: Ambry Variant Classification Scheme 2023. Collection method: clinical testing. Allele origin: germline.
Comment: The p.R975M variant (also known as c.2924G>T), located in coding exon 9 of the PALB2 gene, results from a G to T substitution at nucleotide position 2924. The arginine at codon 975 is replaced by methionine, an amino acid with similar properties. This amino acid position is conserved. In addition, this alteration is predicted to be tolerated by in silico analysis. Since supporting evidence is limited at this time, the clinical significance of this alteration remains unclear.

Labcorp Genetics (formerly Invitae), Labcorp
Classification: Uncertain significance for Familial cancer of breast. Last evaluated: 2023-05-10. Review status: criteria provided, single submitter. Criteria: Invitae Variant Classification Sherloc (09022015). Collection method: clinical testing. Allele origin: germline.
Comment: This sequence change replaces arginine, which is basic and polar, with methionine, which is neutral and non-polar, at codon 975 of the PALB2 protein (p.Arg975Met). This variant is not present in population databases (gnomAD no frequency). This variant has not been reported in the literature in individuals affected with PALB2-related conditions. ClinVar contains an entry for this variant (Variation ID: 1470618). Advanced modeling of protein sequence and biophysical properties (such as structural, functional, and spatial information, amino acid conservation, physicochemical variation, residue mobility, and thermodynamic stability) performed at Invitae indicates that this missense variant is expected to disrupt PALB2 protein function. In summary, the available evidence is currently insufficient to determine the role of this variant in disease. Therefore, it has been classified as a Variant of Uncertain Significance.

NM_024675.4(PALB2):c.2924G>T (p.Arg975Met)

Gene: PALB2 (partner and localizer of BRCA2; minus strand). Cytogenetic location: 16p12.2.
Variant type: single nucleotide variant.
Coding change: c.2924G>T on transcript NM_024675.4 (MANE Select); coding-DNA position 2924, G replaced by T.
Protein change: p.Arg975Met; replaces arginine 975 with methionine.
Molecular consequence: missense variant.
Genome position (GRCh38, 1-based): chr16:23,623,041, C>A on the plus strand (G>T on the coding strand, the complement: PALB2 is on the minus strand). VCF-style: chr16-23623041-C-A. GRCh37 (hg19) VCF-style: chr16-23634362-C-A.
Other names: c.2924G>T (NM_024675.3); short protein forms R975M.
Identifiers: ClinVar variation 1470618 (VCV001470618.8), dbSNP rs2142335927, ClinGen allele CA395144179.
Genomic context (GRCh38, chr16:23,623,041, plus strand): 5'-GCAAACGTCATGACTTCTACTTGTTGATCAGAAAGGGTCCCACTGCTACTAACTAGCCTC[C>A]TCTTTGTCAGGCCAAGCACAGCTTTTATATTTCCAGACTTCAGTAGTACTTGCTTTTCAC-3'
Protein context (NP_078951.2, residues 965-985): NIKAVLGLTK[Arg975Met]RLVSSSGTLS